The following is an entry in ClinVar:

ClinVar aggregate classification (germline): Uncertain significance (1 of 4 stars; one submission).

Conditions:
Hereditary cancer-predisposing syndrome. Also called: Hereditary Cancer Syndrome; Hereditary neoplastic syndrome; Neoplastic Syndromes, Hereditary; Tumor predisposition. Identifiers: Orphanet 140162, MedGen C0027672, MeSH D009386, MONDO:0015356.

Submission:

Ambry Genetics
Classification: Uncertain significance for Hereditary cancer-predisposing syndrome. Last evaluated: 2020-01-15. Review status: criteria provided, single submitter. Criteria: Ambry Variant Classification Scheme 2023. Collection method: clinical testing. Allele origin: germline.
Comment: The c.1286_1288delATA variant (also known as p.N429del) is located in coding exon 8 of the BRIP1 gene. This variant results from an in-frame ATA deletion at nucleotide positions 1286 to 1288. This results in the in-frame deletion of an asparagine at codon 429. This amino acid position is highly conserved in available vertebrate species. In addition, this alteration is predicted to be deleterious by in silico analysis (Choi Y et al. PLoS ONE. 2012; 7(10):e46688). Since supporting evidence is limited at this time, the clinical significance of this alteration remains unclear.

NM_032043.3(BRIP1):c.1283ATA[1] (p.Asn429del)

Gene: BRIP1 (BRCA1 interacting DNA helicase 1; minus strand). Cytogenetic location: 17q23.2.
Variant type: Microsatellite.
Coding change: c.1283ATA[1] on transcript NM_032043.3 (MANE Select); one copy of the 3-base unit ATA starting at c.1283; the reference has two copies in a row; one copy, 3 bases deleted.
Protein change: p.Asn429del; deletes asparagine 429.
Molecular consequence: inframe deletion. On other transcripts: inframe indel (2).
Genome position (GRCh38, 1-based): chr17:61,799,152-61,799,154, TAT deleted on the plus strand (ATA on the coding strand, the reverse complement: BRIP1 is on the minus strand); deleting any 3 consecutive bases within chr17:61,799,152-61,799,158 gives the same sequence; the position shown is the placement nearest the transcript's 3' end. VCF-style (leftmost placement, unchanged base first): chr17-61799151-ATAT-A. GRCh37 (hg19) VCF-style: chr17-59876512-ATAT-A.
Other names: c.1282_1284AAT[1], p.Asn429del (NM_032043.2); c.1286_1288delATA (NM_032043.2); short protein forms N429del.
Identifiers: ClinVar variation 1768963 (VCV001768963.2), dbSNP rs2545135536, ClinGen allele CA2580613195.